The following is an entry in ClinVar:

ClinVar aggregate classification (germline): Uncertain significance (1 of 4 stars; one submission).

Allele frequency attached by ClinVar (database versions not stated): gnomAD exomes below 0.00001.
gnomAD v4.1: 1 of 1,614,044 alleles (0.000062%); highest among the groups gnomAD compares: Non-Finnish European, 0.000085%; no homozygotes.

Submission:

Labcorp Genetics (formerly Invitae), Labcorp
Classification: Uncertain significance. Last evaluated: 2021-12-02. Review status: criteria provided, single submitter. Criteria: Invitae Variant Classification Sherloc (09022015). Collection method: clinical testing. Allele origin: germline.
Comment: This sequence change replaces serine, which is neutral and polar, with proline, which is neutral and non-polar, at codon 1491 of the SON protein (p.Ser1491Pro). This variant is not present in population databases (gnomAD no frequency). In summary, the available evidence is currently insufficient to determine the role of this variant in disease. Therefore, it has been classified as a Variant of Uncertain Significance. Algorithms developed to predict the effect of missense changes on protein structure and function output the following: SIFT: "Tolerated"; PolyPhen-2: "Benign"; Align-GVGD: "Class C0". The proline amino acid residue is found in multiple mammalian species, which suggests that this missense change does not adversely affect protein function. This variant has not been reported in the literature in individuals affected with SON-related conditions.

NM_138927.4(SON):c.4471T>C (p.Ser1491Pro)

Gene: SON (SON DNA and RNA binding protein; plus strand). Cytogenetic location: 21q22.11.
Variant type: single nucleotide variant.
Coding change: c.4471T>C on transcript NM_138927.4 (MANE Select); coding-DNA position 4471, T replaced by C.
Protein change: p.Ser1491Pro; replaces serine 1491 with proline.
Molecular consequence: missense variant. On other transcripts: non-coding transcript variant (1), intron variant (1).
Genome position (GRCh38, 1-based): chr21:33,553,702, T>C. VCF-style: chr21-33553702-T-C. GRCh37 (hg19) VCF-style: chr21-34926008-T-C.
Other names: c.4471T>C, p.Ser1491Pro (NM_001291411.2, NM_032195.3); c.245-3454T>C (NM_001291412.3); short protein forms S1491P.
Identifiers: ClinVar variation 1523237 (VCV001523237.6), dbSNP rs2145833754, ClinGen allele CA410162689.